The following is an entry in ClinVar:

NM_001387430.1(SH2B1):c.1757A>G (p.Gln586Arg)

Gene: SH2B1 (SH2B adaptor protein 1; plus strand). Cytogenetic location: 16p11.2.
Variant type: single nucleotide variant.
Coding change: c.1757A>G on transcript NM_001387430.1 (MANE Select); coding-DNA position 1757, A replaced by G.
Protein change: p.Gln586Arg; replaces glutamine 586 with arginine.
Molecular consequence: missense variant.
Genome position (GRCh38, 1-based): chr16:28,872,565, A>G. VCF-style: chr16-28872565-A-G. GRCh37 (hg19) VCF-style: chr16-28883886-A-G.
Other names: c.1757A>G, p.Gln586Arg (NM_001145795.2, NM_001145796.2, NM_001145797.2 and 4 more transcripts); c.749A>G, p.Gln250Arg (NM_001308294.2); short protein forms Q250R, Q586R.
Identifiers: ClinVar variation 3357970 (VCV003357970.1).

ClinVar aggregate classification (germline): Uncertain significance (0 of 4 stars; one submission).

Conditions:
SH2B1-related disorder. Also called: SH2B1-related condition.

gnomAD v4.1: 16 of 1,613,300 alleles (0.00099%); highest among the groups gnomAD compares: Non-Finnish European, 0.0014%; no homozygotes.

Submission:

PreventionGenetics, part of Exact Sciences
Classification: Uncertain significance for SH2B1-related condition. Last evaluated: 2024-06-07. Review status: no assertion criteria provided. Collection method: clinical testing. Allele origin: germline.
Comment: The SH2B1 c.1757A>G variant is predicted to result in the amino acid substitution p.Gln586Arg. To our knowledge, this variant has not been reported in the literature. This variant is reported in 0.00088% of alleles in individuals of European (Non-Finnish) descent in gnomAD. At this time, the clinical significance of this variant is uncertain due to the absence of conclusive functional and genetic evidence.